The following is an entry in ClinVar:

ClinVar aggregate classification (germline): Likely benign (1 of 4 stars; one submission).

Conditions:
Hereditary breast ovarian cancer syndrome. Also called: Hereditary breast and ovarian cancer; Hereditary breast and ovarian cancer syndrome (HBOC); Breast and ovarian cancer; Hereditary breast and/or ovarian cancer syndrome; BRCA1- and BRCA2-Associated Hereditary Breast and Ovarian Cancer; Hereditary breast and ovarian cancer syndrome. Identifiers: Orphanet 145, MedGen C0677776, MeSH D061325, MONDO:0003582. Disease mechanism: loss of function.

Submissions (2):

Labcorp Genetics (formerly Invitae), Labcorp
Classification: Likely benign for Hereditary breast ovarian cancer syndrome. Last evaluated: 2020-03-30. Review status: criteria provided, single submitter. Criteria: Invitae Variant Classification Sherloc (09022015). Collection method: clinical testing. Allele origin: germline.

Brotman Baty Institute, University of Washington
No classification provided (evidence only). Condition: Breast-ovarian cancer, familial 1. Review status: no classification provided. Collection method: in vitro. Allele origin: not applicable. Functional consequence: functionally_normal. Not counted in ClinVar's aggregate classification.
ClinVar note: "not provided" was previously submitted as the classification for the variant. However, the classification appeared to be based only on an observation of functional data so it was converted to no classification on 2025-07-30.

NM_007294.4(BRCA1):c.5194-9T>G

Gene: BRCA1 (BRCA1 DNA repair associated; minus strand). Cytogenetic location: 17q21.31.
Variant type: single nucleotide variant.
Coding change: c.5194-9T>G on transcript NM_007294.4 (MANE Select); 9 bases into the intron before coding-DNA position 5194, T replaced by G.
Molecular consequence: intron variant.
Genome position (GRCh38, 1-based): chr17:43,057,144, A>C on the plus strand (T>G on the coding strand, the complement: BRCA1 is on the minus strand). VCF-style: chr17-43057144-A-C. GRCh37 (hg19) VCF-style: chr17-41209161-A-C.
Other names: c.1741-9T>G (NM_001408458.1, NM_001408461.1, NM_001408464.1 and 7 more transcripts); c.4303-9T>G (NM_001407967.1); c.4813-9T>G (NM_001407959.1); c.4927-9T>G (NM_001407931.1, NM_001407932.1, NM_001407928.1 and 4 more transcripts); c.5050-9T>G (NM_001407747.1, NM_001407745.1, NM_001407737.1 and 21 more transcripts); c.4810-9T>G (NM_001407962.1, NM_001407960.1); c.1381-9T>G (NM_001408512.1); c.1504-9T>G (NM_001408510.1); and 72 more.
Identifiers: ClinVar variation 867822 (VCV000867822.12), dbSNP rs2051533572, ClinGen allele CA916081199.